The following is an entry in ClinVar:

NM_000465.4(BARD1):c.989G>A (p.Ser330Asn)

Gene: BARD1 (BRCA1 associated RING domain 1; minus strand). Cytogenetic location: 2q35.
Variant type: single nucleotide variant.
Coding change: c.989G>A on transcript NM_000465.4 (MANE Select); coding-DNA position 989, G replaced by A.
Protein change: p.Ser330Asn; replaces serine 330 with asparagine.
Molecular consequence: missense variant. On other transcripts: non-coding transcript variant (2), intron variant (3).
Genome position (GRCh38, 1-based): chr2:214,780,885, C>T on the plus strand (G>A on the coding strand, the complement: BARD1 is on the minus strand). VCF-style: chr2-214780885-C-T. GRCh37 (hg19) VCF-style: chr2-215645609-C-T.
Other names: c.932G>A, p.Ser311Asn (NM_001282543.2); c.159-28330G>A (NM_001282548.2); c.215+16176G>A (NM_001282545.2); c.364+11412G>A (NM_001282549.2); short protein forms S330N, S311N.
Identifiers: ClinVar variation 653556 (VCV000653556.9), dbSNP rs1574818102, ClinGen allele CA350454490.
Genomic context (GRCh38, chr2:214,780,885, plus strand): 5'-TGCTTAACAAAATCTCCACTGGTGCTCAGAATGCTGGTTCTACATCTCTTAGAAATGGGA[C>T]TGGAAAGTCTATTGTGATGGCCACGTTTTCCATTATTTTCTAATGGCAAAGATTTCTTAG-3'
Protein context (NP_000456.2, residues 320-340): GKRGHHNRLS[Ser330Asn]PISKRCRTSI

ClinVar aggregate classification (germline): Uncertain significance (1 of 4 stars; one submission).

Conditions:
Familial cancer of breast. Also called: hereditary breast carcinoma; BREAST CANCER, FAMILIAL; Hereditary breast cancer. Identifiers: Orphanet 227535, MedGen C0346153, MONDO:0016419, OMIM 114480. Disease mechanism: loss of function.

Submission:

Labcorp Genetics (formerly Invitae), Labcorp
Classification: Uncertain significance for Familial cancer of breast. Last evaluated: 2023-03-07. Review status: criteria provided, single submitter. Criteria: Invitae Variant Classification Sherloc (09022015). Collection method: clinical testing. Allele origin: germline.
Comment: This sequence change replaces serine, which is neutral and polar, with asparagine, which is neutral and polar, at codon 330 of the BARD1 protein (p.Ser330Asn). This variant is not present in population databases (gnomAD no frequency). This variant has not been reported in the literature in individuals affected with BARD1-related conditions. ClinVar contains an entry for this variant (Variation ID: 653556). Algorithms developed to predict the effect of missense changes on protein structure and function output the following: SIFT: "Not Available"; PolyPhen-2: "Benign"; Align-GVGD: "Not Available". The asparagine amino acid residue is found in multiple mammalian species, which suggests that this missense change does not adversely affect protein function. In summary, the available evidence is currently insufficient to determine the role of this variant in disease. Therefore, it has been classified as a Variant of Uncertain Significance.